The following is an entry in ClinVar:

NM_002734.5(PRKAR1A):c.913C>A (p.Arg305Ser)

Gene: PRKAR1A (protein kinase cAMP-dependent type I regulatory subunit alpha; plus strand). Cytogenetic location: 17q24.2.
Variant type: single nucleotide variant.
Coding change: c.913C>A on transcript NM_002734.5 (MANE Select); coding-DNA position 913, C replaced by A.
Protein change: p.Arg305Ser; replaces arginine 305 with serine.
Molecular consequence: missense variant.
Genome position (GRCh38, 1-based): chr17:68,529,941, C>A. VCF-style: chr17-68529941-C-A. GRCh37 (hg19) VCF-style: chr17-66526082-C-A.
Other names: c.913C>A, p.Arg305Ser (NM_001276289.2, NM_001276290.1, NM_001278433.2 and 4 more transcripts); short protein forms R305S.
Identifiers: ClinVar variation 3309957 (VCV003309957.1).
Genomic context (GRCh38, chr17:68,529,941, plus strand): 5'-AGTGTGTGTTTGTTTAGCTTTTTGGTGATTTTATTATAGGGGTCAGCTGCTGTGCTACAA[C>A]GTCGGTCAGAAAATGAAGAGTTTGTTGAAGTGGGAAGATTGGGGCCTTCTGATTATTTTG-3'
Protein context (NP_002725.1, residues 295-315): ILEGSAAVLQ[Arg305Ser]RSENEEFVEV

ClinVar aggregate classification (germline): Uncertain significance (1 of 4 stars; one submission).

Conditions:
Hereditary cancer-predisposing syndrome. Also called: Neoplastic Syndromes, Hereditary; Tumor predisposition; Hereditary neoplastic syndrome; Hereditary Cancer Syndrome. Identifiers: Orphanet 140162, MedGen C0027672, MeSH D009386, MONDO:0015356.

gnomAD v4.1: 1 of 1,614,022 alleles (0.000062%); highest among the groups gnomAD compares: Non-Finnish European, 0.000085%; no homozygotes.

Submission:

Ambry Genetics
Classification: Uncertain significance for Hereditary cancer-predisposing syndrome. Last evaluated: 2024-05-03. Review status: criteria provided, single submitter. Criteria: Ambry Variant Classification Scheme 2023. Collection method: clinical testing. Allele origin: germline.
Comment: The p.R305S variant (also known as c.913C>A), located in coding exon 9 of the PRKAR1A gene, results from a C to A substitution at nucleotide position 913. The arginine at codon 305 is replaced by serine, an amino acid with dissimilar properties. This amino acid position is conserved. In addition, the in silico prediction for this alteration is inconclusive. Based on the available evidence, the clinical significance of this variant remains unclear.